The following is an entry in ClinVar:

ClinVar aggregate classification (germline): Likely benign (1 of 4 stars; one submission).

Conditions:
Hereditary factor XI deficiency disease. Also called: PLASMA THROMBOPLASTIN ANTECEDENT DEFICIENCY; PTA DEFICIENCY; ROSENTHAL SYNDROME; Congenital factor XI deficiency. Identifiers: Orphanet 329, MedGen C0015523, MeSH D005173, MONDO:0012897, OMIM 612416.

Allele frequency attached by ClinVar (database versions not stated): gnomAD 0.00024 and 0.00034; TOPMed 0.00036; 1000 Genomes Project 30x 0.00234; 1000 Genomes Project 0.00240.
gnomAD v4.1: 52 of 152,150 alleles (0.034%); highest among the groups gnomAD compares: East Asian, 0.64%; no homozygotes.

Submission:

Illumina Laboratory Services, Illumina
Classification: Likely benign for Hereditary factor XI deficiency disease. Last evaluated: 2018-01-13. Review status: criteria provided, single submitter. Criteria: ICSL Variant Classification Criteria 13 December 2019. Collection method: clinical testing. Allele origin: germline.
Comment: This variant was observed in the ICSL laboratory as part of a predisposition screen in an ostensibly healthy population. It had not been previously curated by ICSL or reported in the Human Gene Mutation Database (HGMD: prior to June 1st, 2018), and was therefore a candidate for classification through an automated scoring system. Utilizing variant allele frequency, disease prevalence and penetrance estimates, and inheritance mode, an automated score was calculated to assess if this variant is too frequent to cause the disease. Based on the score and internal cut-off values, a variant classified as likely benign is not then subjected to further curation. The score for this variant resulted in a classification of likely benign for this disease.

NM_000128.4(F11):c.*884C>T

Genes: F11 (coagulation factor XI; plus strand), F11-AS1 (F11 antisense RNA 1; minus strand). Cytogenetic location: 4q35.2.
Variant type: single nucleotide variant.
Coding change: c.*884C>T on transcript NM_000128.4 (MANE Select); 884 bases downstream of the stop codon, C replaced by T.
Molecular consequence: 3 prime UTR variant.
Genome position (GRCh38, 1-based): chr4:186,289,498, C>T. VCF-style: chr4-186289498-C-T. GRCh37 (hg19) VCF-style: chr4-187210652-C-T.
Identifiers: ClinVar variation 900064 (VCV000900064.4), dbSNP rs117035365, ClinGen allele CA112106930.